The following is an entry in ClinVar:

ClinVar aggregate classification (germline): Uncertain significance (1 of 4 stars; one submission).

Conditions:
Lethal multiple pterygium syndrome (LMPS). Identifiers: Orphanet 33108, MedGen C1854678, MONDO:0009668, OMIM 253290.

Allele frequency attached by ClinVar (database versions not stated): gnomAD exomes below 0.00001.
gnomAD v4.1: 2 of 1,613,932 alleles (0.00012%); highest among the groups gnomAD compares: Non-Finnish European, 0.00017%; no homozygotes.

Submission:

Labcorp Genetics (formerly Invitae), Labcorp
Classification: Uncertain significance for Lethal multiple pterygium syndrome. Last evaluated: 2023-07-07. Review status: criteria provided, single submitter. Criteria: Invitae Variant Classification Sherloc (09022015). Collection method: clinical testing. Allele origin: germline.
Comment: Advanced modeling of protein sequence and biophysical properties (such as structural, functional, and spatial information, amino acid conservation, physicochemical variation, residue mobility, and thermodynamic stability) performed at Invitae indicates that this missense variant is expected to disrupt CHRND protein function. In summary, the available evidence is currently insufficient to determine the role of this variant in disease. Therefore, it has been classified as a Variant of Uncertain Significance. ClinVar contains an entry for this variant (Variation ID: 1513326). This variant has not been reported in the literature in individuals affected with CHRND-related conditions. This variant is present in population databases (no rsID available, gnomAD 0.0009%). This sequence change replaces cysteine, which is neutral and slightly polar, with phenylalanine, which is neutral and non-polar, at codon 165 of the CHRND protein (p.Cys165Phe).

NM_000751.3(CHRND):c.494G>T (p.Cys165Phe)

Gene: CHRND (cholinergic receptor nicotinic delta subunit; plus strand). Cytogenetic location: 2q37.1.
Variant type: single nucleotide variant.
Coding change: c.494G>T on transcript NM_000751.3 (MANE Select); coding-DNA position 494, G replaced by T.
Protein change: p.Cys165Phe; replaces cysteine 165 with phenylalanine.
Molecular consequence: missense variant.
Genome position (GRCh38, 1-based): chr2:232,528,641, G>T. VCF-style: chr2-232528641-G-T. GRCh37 (hg19) VCF-style: chr2-233393351-G-T.
Other names: c.191G>T, p.Cys64Phe (NM_001311196.2); c.449G>T, p.Cys150Phe (NM_001256657.2); c.223G>T, p.Ala75Ser (NM_001311195.2); short protein forms C165F, C64F, C150F, A75S.
Identifiers: ClinVar variation 1513326 (VCV001513326.8), dbSNP rs1258523257, ClinGen allele CA350998568.
Genomic context (GRCh38, chr2:232,528,641, plus strand): 5'-CCATCTTCCGCTCCTCCTGCCCCATCTCTGTCACCTATTTCCCCTTCGACTGGCAGAACT[G>T]CTCCCTCAAGTTCAGGTGTGCCCTTTTCTCCAGCCACCCCTCACCCCAAAGCACCCTGCC-3'
Protein context (NP_000742.1, residues 155-175): VTYFPFDWQN[Cys165Phe]SLKFSSLKYT